The following is an entry in ClinVar:

ClinVar aggregate classification (germline): Uncertain significance (1 of 4 stars; one submission).

Allele frequency attached by ClinVar (database versions not stated): gnomAD exomes below 0.00001; ExAC 0.00001; gnomAD 0.00001; TOPMed 0.00001.
gnomAD v4.1: 6 of 1,614,108 alleles (0.00037%); highest among the groups gnomAD compares: South Asian, 0.0011%; no homozygotes.

Submission:

Labcorp Genetics (formerly Invitae), Labcorp
Classification: Uncertain significance. Last evaluated: 2021-09-24. Review status: criteria provided, single submitter. Criteria: Invitae Variant Classification Sherloc (09022015). Collection method: clinical testing. Allele origin: germline.
Comment: This sequence change replaces aspartic acid with asparagine at codon 568 of the LAMC3 protein (p.Asp568Asn). The aspartic acid residue is weakly conserved and there is a small physicochemical difference between aspartic acid and asparagine. This variant is present in population databases (rs774054516, ExAC 0.002%). This variant has not been reported in the literature in individuals with LAMC3-related conditions. Algorithms developed to predict the effect of missense changes on protein structure and function (SIFT, PolyPhen-2, Align-GVGD) all suggest that this variant is likely to be tolerated, but these predictions have not been confirmed by published functional studies and their clinical significance is uncertain. In summary, the available evidence is currently insufficient to determine the role of this variant in disease. Therefore, it has been classified as a Variant of Uncertain Significance.

NM_006059.4(LAMC3):c.1702G>A (p.Asp568Asn)

Genes: LAMC3 (laminin subunit gamma 3; plus strand), LOC126860777 (BRD4-independent group 4 enhancer GRCh37_chr9:133927058-133928257; plus strand). Cytogenetic location: 9q34.12.
Variant type: single nucleotide variant.
Coding change: c.1702G>A on transcript NM_006059.4 (MANE Select); coding-DNA position 1702, G replaced by A.
Protein change: p.Asp568Asn; replaces aspartic acid 568 with asparagine.
Molecular consequence: missense variant.
Genome position (GRCh38, 1-based): chr9:131,052,562, G>A. VCF-style: chr9-131052562-G-A. GRCh37 (hg19) VCF-style: chr9-133927949-G-A.
Other names: short protein forms D568N.
Identifiers: ClinVar variation 1407613 (VCV001407613.5), dbSNP rs774054516, ClinGen allele CA5287180.